The following is an entry in ClinVar:

ClinVar aggregate classification (germline): Uncertain significance (1 of 4 stars; one submission).

Allele frequency attached by ClinVar (database versions not stated): gnomAD exomes below 0.00001.

Submission:

GeneDx
Classification: Uncertain significance. Last evaluated: 2020-02-04. Review status: criteria provided, single submitter. Criteria: GeneDx Variant Classification Process June 2021. Collection method: clinical testing. Allele origin: germline. Affected: yes.
Comment: Not observed in large population cohorts (Lek et al., 2016); Has not been previously published as pathogenic or benign to our knowledge; In-silico analysis, which includes splice predictors and evolutionary conservation, is inconclusive as to whether the variant alters gene splicing. In the absence of RNA/functional studies, the actual effect of this sequence change is unknown.

NM_004187.5(KDM5C):c.1122G>A (p.Ala374=)

Gene: KDM5C (lysine demethylase 5C; minus strand). Cytogenetic location: Xp11.22.
Variant type: single nucleotide variant.
Coding change: c.1122G>A on transcript NM_004187.5 (MANE Select); coding-DNA position 1122, G replaced by A.
Protein change: p.Ala374=; no amino-acid change (alanine 374 retained).
Molecular consequence: synonymous variant. On other transcripts: non-coding transcript variant (3).
Genome position (GRCh38, 1-based): chrX:53,214,689, C>T on the plus strand (G>A on the coding strand, the complement: KDM5C is on the minus strand). VCF-style: chrX-53214689-C-T. GRCh37 (hg19) VCF-style: chrX-53243871-C-T.
Other names: c.921G>A, p.Ala307= (NM_001146702.2); c.1119G>A, p.Ala373= (NM_001282622.3, NM_001353979.2, NM_001353982.2); c.1122G>A, p.Ala374= (NM_001353978.3, NM_001353981.2, NM_001353984.2).
Identifiers: ClinVar variation 1304317 (VCV001304317.2), dbSNP rs2146933956, ClinGen allele CA516432913.